The following is an entry in ClinVar:

NM_000089.4(COL1A2):c.2729G>A (p.Gly910Asp)

Gene: COL1A2 (collagen type I alpha 2 chain; plus strand). Cytogenetic location: 7q21.3.
Variant type: single nucleotide variant.
Coding change: c.2729G>A on transcript NM_000089.4 (MANE Select); coding-DNA position 2729, G replaced by A.
Protein change: p.Gly910Asp; replaces glycine 910 with aspartic acid.
Molecular consequence: missense variant.
Genome position (GRCh38, 1-based): chr7:94,425,172, G>A. VCF-style: chr7-94425172-G-A. GRCh37 (hg19) VCF-style: chr7-94054484-G-A.
Other names: short protein forms G910D.
Identifiers: ClinVar variation 2944174 (VCV002944174.3), dbSNP rs2484733399, ClinGen allele CA368224493.

ClinVar aggregate classification (germline): Likely pathogenic (1 of 4 stars; one submission).

Conditions:
Osteogenesis imperfecta type I (OI1). Also called: Lobstein disease; OI, TYPE I; OSTEOGENESIS IMPERFECTA TARDA; OSTEOGENESIS IMPERFECTA WITH BLUE SCLERAE; Osteogenesis imperfecta type 1; Lobstein's Disease. Identifiers: Orphanet 216796, Orphanet 666, MedGen C0023931, MONDO:0008146, OMIM 166200. Disease mechanism: loss of function.
Ehlers-Danlos syndrome, classic type, 1 (EDSCL1). Also called: EDS I; EHLERS-DANLOS SYNDROME, GRAVIS TYPE; EHLERS-DANLOS SYNDROME, SEVERE CLASSIC TYPE; Ehlers-Danlos syndrome, type 1; Ehlers-Danlos Syndrome, Classic Type, COL5A1-Related. Identifiers: MedGen C0268335, MONDO:0019567, OMIM 130000.

Submission:

Labcorp Genetics (formerly Invitae), Labcorp
Classification: Likely pathogenic for Osteogenesis imperfecta type I; Ehlers-Danlos syndrome, classic type, 1. Last evaluated: 2023-02-11. Review status: criteria provided, single submitter. Criteria: Invitae Variant Classification Sherloc (09022015). Collection method: clinical testing. Allele origin: germline.
Comment: This variant is not present in population databases (gnomAD no frequency). This sequence change replaces glycine, which is neutral and non-polar, with aspartic acid, which is acidic and polar, at codon 910 of the COL1A2 protein (p.Gly910Asp). This variant has not been reported in the literature in individuals affected with COL1A2-related conditions. Advanced modeling of protein sequence and biophysical properties (such as structural, functional, and spatial information, amino acid conservation, physicochemical variation, residue mobility, and thermodynamic stability) performed at Invitae indicates that this missense variant is expected to disrupt COL1A2 protein function. This variant disrupts the triple helix domain of COL1A2. Glycine residues within the Gly-Xaa-Yaa repeats of the triple helix domain are required for the structure and stability of fibrillar collagens (PMID: 7695699, 8218237, 19344236). In COL1A2, variants affecting these glycine residues are significantly enriched in individuals with disease (PMID: 9016532, 17078022) compared to the general population (ExAC). In summary, the currently available evidence indicates that the variant is pathogenic, but additional data are needed to prove that conclusively. Therefore, this variant has been classified as Likely Pathogenic.

Literature cited by the submitters: PubMed 7695699; PubMed 8218237; PubMed 19344236; PubMed 9016532; PubMed 17078022.